The following is an entry in ClinVar:

ClinVar aggregate classification (germline): Pathogenic. Review status: criteria provided, multiple submitters, no conflicts (2 of 4 stars). 3 submissions from 3 submitters: Pathogenic (3). Last evaluated 2025-11-03.

Conditions:
Early-infantile DEE. Also called: Early infantile epileptic encephalopathy with suppression bursts; Early infantile epileptic encephalopathy; Ohtahara syndrome. Identifiers: Orphanet 1934, MedGen C0393706, MONDO:0800491.
Inborn genetic diseases. Identifiers: MedGen C0950123, MeSH D030342.

Submissions (3):

Labcorp Genetics (formerly Invitae), Labcorp
Classification: Pathogenic for Early-infantile DEE. Last evaluated: 2025-11-03. Review status: criteria provided, single submitter. Criteria: Invitae Variant Classification Sherloc (09022015). Collection method: clinical testing. Allele origin: germline.
Comment: This variant, c.1029_1031del, results in the deletion of 1 amino acid(s) of the GNAO1 protein (p.Ile344del), but otherwise preserves the integrity of the reading frame. This variant is not present in population databases (gnomAD no frequency). This variant has been observed in individual(s) with clinical features of neurodevelopmental disorder with involuntary movements (PMID: 30682224, 38881224, 39044438). In at least one individual the variant was observed to be de novo. ClinVar contains an entry for this variant (Variation ID: 1469197). Algorithms developed to predict the effect of variants on gene product structure and function are not available or were not evaluated for this variant. Experimental studies have shown that this variant affects GNAO1 function (PMID: 38881224). For these reasons, this variant has been classified as Pathogenic.

Ambry Genetics
Classification: Pathogenic for Inborn genetic diseases. Last evaluated: 2025-10-30. Review status: criteria provided, single submitter. Criteria: Ambry Variant Classification Scheme 2023. Collection method: clinical testing. Allele origin: germline.
Comment: The c.1029_1031delCAT (p.I344del) alteration is located in exon 8 (coding exon 8) of the GNAO1 gene. This alteration consists of an in-frame deletion of 3 nucleotides at positions c.1029 and c.1031. This results in the deletion of 1 amino acid at codon 344. This variant was not reported in population-based cohorts in the Genome Aggregation Database (gnomAD). This variant, as well as other variant(s) resulting in the same amino acid change c.1030_1032delATT (p.I344del), was reported in individual(s) with features consistent with GNAO1-related neurologic disorder; in at least one individual, it was determined to be de novo (Jin, 2024; Lasa-Aranzasti, 2024; Kelly, 2019; Ambry internal data). This amino acid position is highly conserved in available vertebrate species. Functional studies suggest loss of GNAO1 function; however, additional evidence is needed to confirm this finding (Lasa-Aranzasti, 2024). This alteration is predicted to be deleterious by in silico analysis (Choi, 2012). Based on the available evidence, this alteration is classified as pathogenic.

GeneDx
Classification: Pathogenic. Last evaluated: 2023-11-22. Review status: criteria provided, single submitter. Criteria: GeneDx Variant Classification Process June 2021. Collection method: clinical testing. Allele origin: germline. Affected: yes.
Comment: Has not been previously published as pathogenic or benign to our knowledge; In-frame deletion of 1 amino acid in a non-repeat region; Not observed at significant frequency in large population cohorts (gnomAD); In silico analysis supports a deleterious effect on protein structure/function; This variant is associated with the following publications: (PMID: 36247896, 30682224, 35782616)

Literature cited by the submitters: PubMed 30682224 (cited by Labcorp Genetics (formerly Invitae), Labcorp and Ambry Genetics); PubMed 38881224 (cited by Labcorp Genetics (formerly Invitae), Labcorp and Ambry Genetics); PubMed 39044438 (cited by Labcorp Genetics (formerly Invitae), Labcorp and Ambry Genetics).

NM_020988.3(GNAO1):c.1023CAT[2] (p.Ile344del)

Gene: GNAO1 (G protein subunit alpha o1; plus strand). Cytogenetic location: 16q13.
Variant type: Microsatellite.
Coding change: c.1023CAT[2] on transcript NM_020988.3 (MANE Select); two copies in a row of the 3-base unit CAT starting at c.1023; the reference has three copies in a row; one copy, 3 bases deleted.
Protein change: p.Ile344del; deletes isoleucine 344.
Molecular consequence: inframe deletion.
Genome position (GRCh38, 1-based): chr16:56,355,017-56,355,019, CAT deleted; deleting any 3 consecutive bases within chr16:56,355,011-56,355,019 gives the same sequence; the position shown is the placement nearest the transcript's 3' end. VCF-style (leftmost placement, unchanged base first): chr16-56355010-ACAT-A. GRCh37 (hg19) VCF-style: chr16-56388922-ACAT-A.
Other names: c.1029_1031delCAT (NM_020988.2); short protein forms I344del.
Identifiers: ClinVar variation 1469197 (VCV001469197.12), dbSNP rs2143705016, ClinGen allele CA2573332412.
Genomic context (GRCh38, chr16:56,355,010, plus strand): 5'-GTCACATGACTTGTGCCACAGACACGAATAACATCCAGGTGGTGTTCGACGCCGTCACCG[ACAT>A]CATCATTGCCAACAACCTCCGGGGCTGCGGCTTGTACTGACCTCTTGTCCTGTATAGCAA-3'